The following is an entry in ClinVar:

NM_000188.3(HK1):c.1448T>C (p.Met483Thr)

Gene: HK1 (hexokinase 1; plus strand). Cytogenetic location: 10q22.1.
Variant type: single nucleotide variant.
Coding change: c.1448T>C on transcript NM_000188.3 (MANE Select); coding-DNA position 1448, T replaced by C.
Protein change: p.Met483Thr; replaces methionine 483 with threonine.
Molecular consequence: missense variant.
Genome position (GRCh38, 1-based): chr10:69,382,669, T>C. VCF-style: chr10-69382669-T-C. GRCh37 (hg19) VCF-style: chr10-71142425-T-C.
Other names: c.1460T>C, p.Met487Thr (NM_001322364.2, NM_001358263.1, NM_033497.3 and 1 more transcripts); c.1553T>C, p.Met518Thr (NM_001322365.2); c.1364T>C, p.Met455Thr (NM_001322366.1); c.1352T>C, p.Met451Thr (NM_001322367.1); c.1445T>C, p.Met482Thr (NM_033496.3); c.1412T>C, p.Met471Thr (NM_033500.2); short protein forms M451T, M482T, M455T, M483T, M487T, M471T, M518T.
Identifiers: ClinVar variation 1357223 (VCV001357223.8), dbSNP rs1839450295, ClinGen allele CA376909954.
Genomic context (GRCh38, chr10:69,382,669, plus strand): 5'-TGGCCGAGCAGCACCGGCAGATAGAGGAGACCCTGGCTCATTTCCACCTCACCAAGGACA[T>C]GCTGCTGGAGGTGAAGAAGAGGATGCGGGCCGAGATGGAGCTGGGGCTGAGGAAGCAGAC-3'
Protein context (NP_000179.2, residues 473-493): TLAHFHLTKD[Met483Thr]LLEVKKRMRA

ClinVar aggregate classification (germline): Uncertain significance (1 of 4 stars; one submission).

Allele frequency attached by ClinVar (database versions not stated): gnomAD exomes below 0.00001.
gnomAD v4.1: 17 of 1,613,948 alleles (0.0011%); highest among the groups gnomAD compares: African/African-American, 0.0013%; no homozygotes.

Submission:

Labcorp Genetics (formerly Invitae), Labcorp
Classification: Uncertain significance. Last evaluated: 2024-10-17. Review status: criteria provided, single submitter. Criteria: Invitae Variant Classification Sherloc (09022015). Collection method: clinical testing. Allele origin: germline.
Comment: This sequence change replaces methionine, which is neutral and non-polar, with threonine, which is neutral and polar, at codon 483 of the HK1 protein (p.Met483Thr). This variant is not present in population databases (gnomAD no frequency). This variant has not been reported in the literature in individuals affected with HK1-related conditions. ClinVar contains an entry for this variant (Variation ID: 1357223). Invitae Evidence Modeling of protein sequence and biophysical properties (such as structural, functional, and spatial information, amino acid conservation, physicochemical variation, residue mobility, and thermodynamic stability) indicates that this missense variant is not expected to disrupt HK1 protein function with a negative predictive value of 80%. In summary, the available evidence is currently insufficient to determine the role of this variant in disease. Therefore, it has been classified as a Variant of Uncertain Significance.